The following is an entry in ClinVar:

ClinVar aggregate classification (germline): Uncertain significance (1 of 4 stars; one submission).

Conditions:
SEMA3B-related disorder. Also called: SEMA3B-related condition.

Allele frequency attached by ClinVar (database versions not stated): gnomAD 0.00001; 1000 Genomes Project 30x 0.00016; 1000 Genomes Project 0.00020.
gnomAD v4.1: 27 of 1,613,688 alleles (0.0017%); highest among the groups gnomAD compares: East Asian, 0.0022%; no homozygotes.

Submission:

PreventionGenetics, part of Exact Sciences
Classification: Uncertain significance for SEMA3B-related condition. Last evaluated: 2023-05-11. Review status: criteria provided, single submitter. Criteria: ACMG Guidelines, 2015. Collection method: clinical testing. Allele origin: germline.
Comment: The SEMA3B c.1719A>C is a noncoding alteration. To our knowledge, this variant has not been reported in the literature. This variant is reported in 0.0099% of alleles in individuals of Ashkenazi Jewish descent in gnomAD. At this time, the clinical significance of this variant is uncertain due to the absence of conclusive functional and genetic evidence.

NM_001290060.2(SEMA3B):c.1704A>C (p.Gly568=)

Gene: SEMA3B (semaphorin 3B; plus strand). Cytogenetic location: 3p21.31.
Variant type: single nucleotide variant.
Coding change: c.1704A>C on transcript NM_001290060.2 (MANE Select); coding-DNA position 1704, A replaced by C.
Protein change: p.Gly568=; no amino-acid change (glycine 568 retained).
Molecular consequence: synonymous variant. On other transcripts: non-coding transcript variant (1).
Genome position (GRCh38, 1-based): chr3:50,275,614, A>C. VCF-style: chr3-50275614-A-C. GRCh37 (hg19) VCF-style: chr3-50313045-A-C.
Other names: c.1701A>C, p.Gly567= (NM_001005914.3); c.1719A>C, p.Gly573= (NM_001290061.1); c.675A>C, p.Gly225= (NM_001290062.2, NM_001290063.2); c.1704A>C, p.Gly568= (NM_004636.4).
Identifiers: ClinVar variation 2628474 (VCV002628474.1), dbSNP rs368328009, ClinGen allele CA2414130.